The following is an entry in ClinVar:

ClinVar aggregate classification (germline): Uncertain significance (1 of 4 stars; one submission).

Allele frequency attached by ClinVar (database versions not stated): gnomAD exomes below 0.00001 and 0.00002; gnomAD 0.00001; TOPMed 0.00002.

Submission:

Labcorp Genetics (formerly Invitae), Labcorp
Classification: Uncertain significance. Last evaluated: 2022-09-19. Review status: criteria provided, single submitter. Criteria: Invitae Variant Classification Sherloc (09022015). Collection method: clinical testing. Allele origin: germline.
Comment: In summary, the available evidence is currently insufficient to determine the role of this variant in disease. Therefore, it has been classified as a Variant of Uncertain Significance. Advanced modeling of protein sequence and biophysical properties (such as structural, functional, and spatial information, amino acid conservation, physicochemical variation, residue mobility, and thermodynamic stability) performed at Invitae indicates that this missense variant is expected to disrupt ORC4 protein function. ClinVar contains an entry for this variant (Variation ID: 1375778). This variant has not been reported in the literature in individuals affected with ORC4-related conditions. This variant is present in population databases (no rsID available, gnomAD 0.009%). This sequence change replaces isoleucine, which is neutral and non-polar, with threonine, which is neutral and polar, at codon 65 of the ORC4 protein (p.Ile65Thr).

NM_181741.4(ORC4):c.194T>C (p.Ile65Thr)

Gene: ORC4 (origin recognition complex subunit 4; minus strand). Cytogenetic location: 2q23.1.
Variant type: single nucleotide variant.
Coding change: c.194T>C on transcript NM_181741.4 (MANE Select); coding-DNA position 194, T replaced by C.
Protein change: p.Ile65Thr; replaces isoleucine 65 with threonine.
Molecular consequence: missense variant. On other transcripts: 5 prime UTR variant (2), intron variant (1).
Genome position (GRCh38, 1-based): chr2:147,972,770, A>G on the plus strand (T>C on the coding strand, the complement: ORC4 is on the minus strand). VCF-style: chr2-147972770-A-G. GRCh37 (hg19) VCF-style: chr2-148730339-A-G.
Other names: c.194T>C, p.Ile65Thr (NM_001190879.3, NM_001374270.1, NM_002552.5 and 1 more transcripts); c.-29T>C (NM_001190882.3); c.-124T>C (NM_001374272.1); c.-27-13904T>C (NM_001190881.3); short protein forms I65T.
Identifiers: ClinVar variation 1375778 (VCV001375778.4), dbSNP rs1198099729, ClinGen allele CA348715786.